The following is an entry in ClinVar:

NM_001613.4(ACTA2):c.808+5G>A

Genes: ACTA2 (actin alpha 2, smooth muscle; minus strand), ACTA2-AS1 (ACTA2 antisense RNA 1; plus strand). Cytogenetic location: 10q23.31.
Variant type: single nucleotide variant.
Coding change: c.808+5G>A on transcript NM_001613.4 (MANE Select); 5 bases into the intron after coding-DNA position 808, G replaced by A.
Molecular consequence: intron variant. On other transcripts: non-coding transcript variant (1).
Genome position (GRCh38, 1-based): chr10:88,939,502, C>T on the plus strand (G>A on the coding strand, the complement: ACTA2 is on the minus strand). VCF-style: chr10-88939502-C-T. GRCh37 (hg19) VCF-style: chr10-90699259-C-T.
Other names: c.679+5G>A (NM_001406467.1, NM_001406468.1, NM_001406469.1); c.808+5G>A (NM_001320855.2, NM_001406462.1, NM_001141945.3 and 2 more transcripts); c.617-1260G>A (NM_001406471.1); c.697+5G>A (NM_001406466.1).
Identifiers: ClinVar variation 1447632 (VCV001447632.7), dbSNP rs2133250150, ClinGen allele CA470731013.

ClinVar aggregate classification (germline): Uncertain significance (1 of 4 stars; one submission).

Conditions:
Aortic aneurysm, familial thoracic 6 (AAT6). Also called: FAMILIAL THORACIC AORTIC ANEURYSM WITH LIVEDO RETICULARIS AND IRIS FLOCCULI. Identifiers: MedGen C2673186, MONDO:0012730, OMIM 611788.

Submission:

Labcorp Genetics (formerly Invitae), Labcorp
Classification: Uncertain significance for Aortic aneurysm, familial thoracic 6. Last evaluated: 2022-09-27. Review status: criteria provided, single submitter. Criteria: Invitae Variant Classification Sherloc (09022015). Collection method: clinical testing. Allele origin: germline.
Comment: ClinVar contains an entry for this variant (Variation ID: 1447632). This variant has not been reported in the literature in individuals affected with ACTA2-related conditions. This variant is not present in population databases (gnomAD no frequency). This sequence change falls in intron 7 of the ACTA2 gene. It does not directly change the encoded amino acid sequence of the ACTA2 protein. It affects a nucleotide within the consensus splice site. Variants that disrupt the consensus splice site are a relatively common cause of aberrant splicing (PMID: 17576681, 9536098). Algorithms developed to predict the effect of sequence changes on RNA splicing suggest that this variant may disrupt the consensus splice site. In summary, the available evidence is currently insufficient to determine the role of this variant in disease. Therefore, it has been classified as a Variant of Uncertain Significance.

Literature cited by the submitters: PubMed 17576681; PubMed 9536098.